The following is an entry in ClinVar:

GRCh38/hg38 6q12(chr6:65331371-65405465)x1

Genes: EYS (eyes shut homolog; minus strand), LOC132089417 (Neanderthal introgressed variant-containing enhancer experimental_92568; plus strand). Cytogenetic location: 6q12.
Variant type: copy number loss.
Change: copy number 1 (one copy instead of two) of chr6:65,331,371-65,405,465 (74.1 kb, GRCh38 coordinates, 1-based), cytogenetic band 6q12.
Identifiers: ClinVar variation 2579233 (VCV002579233.1).

ClinVar aggregate classification (germline): Likely pathogenic (1 of 4 stars; one submission).

Conditions:
Retinitis pigmentosa 25 (RP25). Identifiers: Orphanet 791, MedGen C1864446, MONDO:0011272, OMIM 602772.

Submission:

Broad Center for Mendelian Genomics, Broad Institute of MIT and Harvard
Classification: Likely pathogenic for Retinitis pigmentosa 25. Last evaluated: 2023-08-24. Review status: criteria provided, single submitter. Criteria: ACMG/ClinGen CNV Guidelines, 2019. Collection method: research. Allele origin: unknown. Inheritance: Autosomal recessive inheritance. Affected: yes.
Comment: A heterozygous deletion of exons 5-11 in EYS (NM_001142800.2) was identified by exome sequencing in one individual with retinitis pigmentosa in the compound heterozygous state, along with a known likely pathogenic variant (Variation ID: 194358) ([GRCh 38] chr6:65331371_65405465x1)(PMID: 34906470). These breakpoints have been estimated by exome sequencing only and therefore may not reflect the true breakpoints. Inheritance information is unavailable. The patient phenotype is nonspecific, but is consistent with cases described in the literature and/or published databases with overlapping variants. This intragenic variant is predicted to cause a frameshift, which alters the protein’s amino acid sequence beginning at exon 5 and leads to a premature termination codon. This alteration is then predicted to lead to a truncated or absent protein. Loss of function of EYS is an established disease mechanism in autosomal recessive retinitis pigmentosa. Two deletions overlapping this exon have been identified in the Genome Aggregation Database: DEL_6_69850 in 1/1930(0.05%) Latino chromosomes and in 1/2416 (0.04%) of East Asian chromosomes, and DEL_6_69861 in 1/1930 (0.05%) of Latino chromosomes (gnomAD; Structural variant: DEL_6_69850, DEL_6_69861), with no homozygotes. In summary, although additional studies are required to fully establish its clinical significance, this variant is likely pathogenic for autosomal recessive retinitis pigmentosa. The ACMG/ClinGen evidence codes and points used in this curation are as follows: 1: 0 points, 2: 0.90 points, 3: 0 points, 4-5: 0.08 points; Total: 0.98 points; Riggs 2020 (PMID: 31690835).

Literature cited by the submitters: PubMed 34906470.